The following is an entry in ClinVar:

NM_001085049.3(MRAS):c.305A>G (p.His102Arg)

Gene: MRAS (muscle RAS oncogene homolog; plus strand). Cytogenetic location: 3q22.3.
Variant type: single nucleotide variant.
Coding change: c.305A>G on transcript NM_001085049.3 (MANE Select); coding-DNA position 305, A replaced by G.
Protein change: p.His102Arg; replaces histidine 102 with arginine.
Molecular consequence: missense variant.
Genome position (GRCh38, 1-based): chr3:138,397,435, A>G. VCF-style: chr3-138397435-A-G. GRCh37 (hg19) VCF-style: chr3-138116277-A-G.
Other names: c.305A>G, p.His102Arg (NM_001252090.2, NM_012219.4); c.77A>G, p.His26Arg (NM_001252091.1, NM_001252092.2, NM_001252093.2); short protein forms H26R, H102R.
Identifiers: ClinVar variation 1799335 (VCV001799335.3), dbSNP rs2055261939, ClinGen allele CA354673054.

ClinVar aggregate classification (germline): Uncertain significance. Review status: criteria provided, multiple submitters, no conflicts (2 of 4 stars). 2 submissions from 2 submitters: Uncertain significance (2). Last evaluated 2025-03-03.

Conditions:
Inborn genetic diseases. Identifiers: MedGen C0950123, MeSH D030342.

Allele frequency attached by ClinVar (database versions not stated): TOPMed below 0.00001; gnomAD exomes 0.00001.

Submissions (2):

Labcorp Genetics (formerly Invitae), Labcorp
Classification: Uncertain significance. Last evaluated: 2025-03-03. Review status: criteria provided, single submitter. Criteria: Invitae Variant Classification Sherloc (09022015). Collection method: clinical testing. Allele origin: germline.
Comment: This sequence change replaces histidine, which is basic and polar, with arginine, which is basic and polar, at codon 102 of the MRAS protein (p.His102Arg). This variant is not present in population databases (gnomAD no frequency). This variant has not been reported in the literature in individuals affected with MRAS-related conditions. ClinVar contains an entry for this variant (Variation ID: 1799335). An algorithm developed to predict the effect of missense changes on protein structure and function (PolyPhen-2) suggests that this variant is likely to be tolerated. In summary, the available evidence is currently insufficient to determine the role of this variant in disease. Therefore, it has been classified as a Variant of Uncertain Significance.

Ambry Genetics
Classification: Uncertain significance for Inborn genetic diseases. Last evaluated: 2021-09-26. Review status: criteria provided, single submitter. Criteria: Ambry Variant Classification Scheme 2023. Collection method: clinical testing. Allele origin: germline.
Comment: The p.H102R variant (also known as c.305A>G), located in coding exon 2 of the MRAS gene, results from an A to G substitution at nucleotide position 305. The histidine at codon 102 is replaced by arginine, an amino acid with highly similar properties. This amino acid position is conserved. In addition, this alteration is predicted to be deleterious by in silico analysis. Since supporting evidence is limited at this time, the clinical significance of this alteration remains unclear.